The following is an entry in ClinVar:

ClinVar aggregate classification (germline): Uncertain significance (1 of 4 stars; one submission).

Conditions:
Inborn genetic diseases. Identifiers: MedGen C0950123, MeSH D030342.

Submission:

Ambry Genetics
Classification: Uncertain significance for Inborn genetic diseases. Last evaluated: 2025-06-05. Review status: criteria provided, single submitter. Criteria: Ambry Variant Classification Scheme 2023. Collection method: clinical testing. Allele origin: germline.
Comment: The c.1606C>A (p.P536T) alteration is located in exon 6 (coding exon 1) of the AHDC1 gene. This alteration results from a C to A substitution at nucleotide position 1606, causing the proline (P) at amino acid position 536 to be replaced by a threonine (T). This variant was not reported in population-based cohorts in the Genome Aggregation Database (gnomAD). This amino acid position is highly conserved in available vertebrate species. This missense alteration is located in a region that has a low rate of benign missense variation (Lek, 2016; Firth, 2009). The in silico prediction for this alteration is inconclusive. Based on insufficient or conflicting evidence, the clinical significance of this alteration remains unclear.

NM_001371928.1(AHDC1):c.1606C>A (p.Pro536Thr)

Gene: AHDC1 (AT-hook DNA binding motif containing 1; minus strand). Cytogenetic location: 1p36.11.
Variant type: single nucleotide variant.
Coding change: c.1606C>A on transcript NM_001371928.1 (MANE Select); coding-DNA position 1606, C replaced by A.
Protein change: p.Pro536Thr; replaces proline 536 with threonine.
Molecular consequence: missense variant.
Genome position (GRCh38, 1-based): chr1:27,550,510, G>T on the plus strand (C>A on the coding strand, the complement: AHDC1 is on the minus strand). VCF-style: chr1-27550510-G-T. GRCh37 (hg19) VCF-style: chr1-27877021-G-T.
Other names: c.1606C>A, p.Pro536Thr (NM_001029882.3); short protein forms P536T.
Identifiers: ClinVar variation 2482936 (VCV002482936.4), dbSNP rs2522002267, ClinGen allele CA339233731.
Genomic context (GRCh38, chr1:27,550,510, plus strand): 5'-GCAGCAGGTTCTTAGGAGGGCGGCCGCGCTTACGTTTGAGAATAATGGGCATCTCACCGG[G>T]TGGGAAGACCACTACCACGTTCCGCCCATTGTTCTTCATCTTCAGCAGCGGGGTGGGCTC-3'
Protein context (NP_001358857.1, residues 526-546): NGRNVVVVFP[Pro536Thr]GEMPIILKRK